The following is an entry in ClinVar:

NM_013247.5(HTRA2):c.77G>A (p.Gly26Glu)

Gene: HTRA2 (HtrA serine peptidase 2; plus strand). Cytogenetic location: 2p13.1.
Variant type: single nucleotide variant.
Coding change: c.77G>A on transcript NM_013247.5 (MANE Select); coding-DNA position 77, G replaced by A.
Protein change: p.Gly26Glu; replaces glycine 26 with glutamic acid.
Molecular consequence: missense variant. On other transcripts: non-coding transcript variant (1).
Genome position (GRCh38, 1-based): chr2:74,530,083, G>A. VCF-style: chr2-74530083-G-A. GRCh37 (hg19) VCF-style: chr2-74757210-G-A.
Other names: c.77G>A, p.Gly26Glu (NM_001321727.1, NM_001321728.1, NM_145074.2); short protein forms G26E.
Identifiers: ClinVar variation 898769 (VCV000898769.7), dbSNP rs145946172, ClinGen allele CA1728282.

ClinVar aggregate classification (germline): Uncertain significance. Review status: criteria provided, multiple submitters, no conflicts (2 of 4 stars). 3 submissions from 3 submitters: Uncertain significance (3). Last evaluated 2023-12-30.

Conditions:
3-methylglutaconic aciduria type 8. Also called: 3-methylglutaconic aciduria, type VIII. Identifiers: Orphanet 505208, MedGen C4310650, MONDO:0044723, OMIM 617248.
Parkinson disease 13, autosomal dominant, susceptibility to. Identifiers: Orphanet 2828, MedGen C1853202, MONDO:0012466, OMIM 610297.

Allele frequency attached by ClinVar (database versions not stated): gnomAD exomes 0.00005 and 0.00010; ESP Exome Variant Server 0.00008; ExAC 0.00014; gnomAD 0.00015; TOPMed 0.00018.

Submissions (3):

Labcorp Genetics (formerly Invitae), Labcorp
Classification: Uncertain significance. Last evaluated: 2023-12-30. Review status: criteria provided, single submitter. Criteria: Invitae Variant Classification Sherloc (09022015). Collection method: clinical testing. Allele origin: germline.
Comment: This sequence change replaces glycine, which is neutral and non-polar, with glutamic acid, which is acidic and polar, at codon 26 of the HTRA2 protein (p.Gly26Glu). This variant is present in population databases (rs145946172, gnomAD 0.06%). This missense change has been observed in individual(s) with Parkinson disease (PMID: 21338583). ClinVar contains an entry for this variant (Variation ID: 898769). An algorithm developed to predict the effect of missense changes on protein structure and function (PolyPhen-2) suggests that this variant is likely to be disruptive. In summary, the available evidence is currently insufficient to determine the role of this variant in disease. Therefore, it has been classified as a Variant of Uncertain Significance.

Fulgent Genetics
Classification: Uncertain significance for Parkinson disease 13, autosomal dominant, susceptibility to; 3-methylglutaconic aciduria type 8. Last evaluated: 2021-10-08. Review status: criteria provided, single submitter. Criteria: ACMG Guidelines, 2015. Collection method: clinical testing. Allele origin: unknown.

Illumina Laboratory Services, Illumina
Classification: Uncertain significance for Parkinson disease 13, autosomal dominant, susceptibility to. Last evaluated: 2017-04-28. Review status: criteria provided, single submitter. Criteria: ICSL Variant Classification Criteria 13 December 2019. Collection method: clinical testing. Allele origin: germline.
Comment: This variant was observed as part of a predisposition screen in an ostensibly healthy population. A literature search was performed for the gene, cDNA change, and amino acid change (where applicable). Publications were found based on this search. However, the evidence from the literature, in combination with allele frequency data from public databases where available, was not sufficient to rule this variant in or out of causing disease. Therefore, this variant is classified as a variant of unknown significance.

Literature cited by the submitters: PubMed 21338583 (cited by Labcorp Genetics (formerly Invitae), Labcorp and Illumina Laboratory Services, Illumina).